The following is an entry in ClinVar:

NM_001374736.1(DST):c.12341A>G (p.His4114Arg)

Genes: DST (dystonin; minus strand), LOC129996656 (ATAC-STARR-seq lymphoblastoid active region 24702; plus strand). Cytogenetic location: 6p12.1.
Variant type: single nucleotide variant.
Coding change: c.12341A>G on transcript NM_001374736.1 (MANE Select); coding-DNA position 12341, A replaced by G.
Protein change: p.His4114Arg; replaces histidine 4114 with arginine.
Molecular consequence: missense variant.
Genome position (GRCh38, 1-based): chr6:56,594,048, T>C on the plus strand (A>G on the coding strand, the complement: DST is on the minus strand). VCF-style: chr6-56594048-T-C. GRCh37 (hg19) VCF-style: chr6-56458846-T-C.
Other names: c.5984A>G, p.His1995Arg (NM_001144769.5); c.5570A>G, p.His1857Arg (NM_001144770.2); c.12341A>G, p.His4114Arg (NM_001374722.1); c.11708A>G, p.His3903Arg (NM_001374729.1); c.5450A>G, p.His1817Arg (NM_001374730.1, NM_001386100.1, NM_183380.4); c.12368A>G, p.His4123Arg (NM_001374734.1); c.4472A>G, p.His1491Arg (NM_015548.5); short protein forms H1857R, H1491R, H1817R, H1995R, H4114R, H3903R, H4123R.
Identifiers: ClinVar variation 1750858 (VCV001750858.2), dbSNP rs1177096506, ClinGen allele CA364526661.

ClinVar aggregate classification (germline): Uncertain significance (1 of 4 stars; one submission).

Conditions:
Inborn genetic diseases. Identifiers: MedGen C0950123, MeSH D030342.

Allele frequency attached by ClinVar (database versions not stated): TOPMed 0.00001.
gnomAD v4.1: 2 of 1,613,764 alleles (0.00012%); highest among the groups gnomAD compares: Non-Finnish European, 0.00017%; no homozygotes.

Submission:

Ambry Genetics
Classification: Uncertain significance for Inborn genetic diseases. Last evaluated: 2019-12-10. Review status: criteria provided, single submitter. Criteria: Ambry Variant Classification Scheme 2023. Collection method: clinical testing. Allele origin: germline.
Comment: The p.H1995R variant (also known as c.5984A>G), located in coding exon 42 of the DST gene, results from an A to G substitution at nucleotide position 5984. The histidine at codon 1995 is replaced by arginine, an amino acid with highly similar properties. This amino acid position is poorly conserved in available vertebrate species. In addition, this alteration is predicted to be tolerated by in silico analysis. Since supporting evidence is limited at this time, the clinical significance of this alteration remains unclear.